The following is an entry in ClinVar:

ClinVar aggregate classification (germline): Conflicting classifications of pathogenicity. Review status: criteria provided, conflicting classifications (1 of 4 stars). 3 submissions from 3 submitters: Uncertain significance (1); Likely benign (2). Last evaluated 2025-07-03.

Allele frequency attached by ClinVar (database versions not stated): gnomAD 0.00001; gnomAD exomes 0.00001; TOPMed 0.00001; ExAC 0.00002.
gnomAD v4.1: 13 of 1,192,700 alleles (0.0011%); highest among the groups gnomAD compares: Middle Eastern, 0.019%; no homozygotes.

Submissions (3):

Labcorp Genetics (formerly Invitae), Labcorp
Classification: Likely benign. Last evaluated: 2025-07-03. Review status: criteria provided, single submitter. Criteria: Invitae Variant Classification Sherloc (09022015). Collection method: clinical testing. Allele origin: germline.

Women's Health and Genetics/Laboratory Corporation of America, LabCorp
Classification: Uncertain significance. Last evaluated: 2023-06-29. Review status: criteria provided, single submitter. Criteria: LabCorp Variant Classification Summary - May 2015. Collection method: clinical testing. Allele origin: germline.
Comment: Variant summary: KIF11 c.308+14T>A alters a nucleotide located close to a canonical splice site and therefore could affect mRNA splicing, leading to a significantly altered protein sequence. 4/4 computational tools predict no significant impact on normal splicing. However, these predictions have yet to be confirmed by functional studies. The variant allele was found at a frequency of 1.3e-05 in 226422 control chromosomes. The available data on variant occurrences in the general population are insufficient to allow any conclusion about variant significance. To our knowledge, no occurrence of c.308+14T>A in individuals affected with Microcephaly With Or Without Chorioretinopathy, Lymphedema, Or Intellectual Disability and no experimental evidence demonstrating its impact on protein function have been reported. No submitters have cited clinical-significance assessments for this variant to ClinVar after 2014. Based on the evidence outlined above, the variant was classified as uncertain significance.

Blueprint Genetics
Classification: Likely benign. Last evaluated: 2023-01-04. Review status: criteria provided, single submitter. Criteria: ACMG Guidelines, 2015. Collection method: clinical testing. Allele origin: germline.

NM_004523.4(KIF11):c.308+14T>A

Gene: KIF11 (kinesin family member 11; plus strand). Cytogenetic location: 10q23.33.
Variant type: single nucleotide variant.
Coding change: c.308+14T>A on transcript NM_004523.4 (MANE Select); 14 bases into the intron after coding-DNA position 308, T replaced by A.
Molecular consequence: intron variant.
Genome position (GRCh38, 1-based): chr10:92,606,730, T>A. VCF-style: chr10-92606730-T-A. GRCh37 (hg19) VCF-style: chr10-94366487-T-A.
Identifiers: ClinVar variation 2573527 (VCV002573527.3), dbSNP rs756984680, ClinGen allele CA5603967.